The following is an entry in ClinVar:

NM_033238.3(PML):c.537C>T (p.Asp179=)

Gene: PML (PML nuclear body scaffold; plus strand). Cytogenetic location: 15q24.1.
Variant type: single nucleotide variant.
Coding change: c.537C>T on transcript NM_033238.3 (MANE Select); coding-DNA position 537, C replaced by T.
Protein change: p.Asp179=; no amino-acid change (aspartic acid 179 retained).
Molecular consequence: synonymous variant.
Genome position (GRCh38, 1-based): chr15:73,998,411, C>T. VCF-style: chr15-73998411-C-T. GRCh37 (hg19) VCF-style: chr15-74290752-C-T.
Other names: c.537C>T, p.Asp179= (NM_002675.4, NM_033239.3, NM_033240.3 and 7 more transcripts).
Identifiers: ClinVar variation 3051387 (VCV003051387.2), dbSNP rs780737061, ClinGen allele CA7652366.

ClinVar aggregate classification (germline): Likely benign (0 of 4 stars; one submission).

Conditions:
PML-related disorder. Also called: PML-related condition.

Allele frequency attached by ClinVar (database versions not stated): gnomAD exomes 0.00001; ExAC 0.00002; gnomAD 0.00005; TOPMed 0.00008.
gnomAD v4.1: 18 of 1,613,850 alleles (0.0011%); highest among the groups gnomAD compares: African/African-American, 0.011%; no homozygotes.

Submission:

PreventionGenetics, part of Exact Sciences
Classification: Likely benign for PML-related condition. Last evaluated: 2020-02-14. Review status: no assertion criteria provided. Collection method: clinical testing. Allele origin: germline.
Comment: This variant is classified as likely benign based on ACMG/AMP sequence variant interpretation guidelines (Richards et al. 2015 PMID: 25741868, with internal and published modifications).